The following is an entry in ClinVar:

NC_000003.12:g.45913152A>C

Gene: LZTFL1 (leucine zipper transcription factor like 1; minus strand). Cytogenetic location: 3p21.31.
Variant type: single nucleotide variant.
Molecular consequence: 5 prime UTR variant (on NM_001276378.2). On other transcripts: non-coding transcript variant (1).
Genome position: GRCh38 VCF-style: chr3-45913152-A-C. GRCh37 (hg19) VCF-style: chr3-45954644-A-C.
Other names: c.-170T>G (NM_001276378.2, NM_001405927.1); c.-6T>G (NM_001276379.2, NM_001405920.1, NM_001405921.1 and 1 more transcripts); c.-209T>G (NM_001405923.1, NM_001405926.1).
Identifiers: ClinVar variation 3051858 (VCV003051858.2), dbSNP rs576767569, ClinGen allele CA73637858.

ClinVar aggregate classification (germline): Likely benign (0 of 4 stars; one submission).

Conditions:
LZTFL1-related disorder. Also called: LZTFL1-related condition.

Allele frequency attached by ClinVar (database versions not stated): gnomAD 0.00001; gnomAD exomes 0.00001; TOPMed 0.00002.
gnomAD v4.1: 9 of 1,535,886 alleles (0.00059%); highest among the groups gnomAD compares: Non-Finnish European, 0.00078%; no homozygotes.

Submission:

PreventionGenetics, part of Exact Sciences
Classification: Likely benign for LZTFL1-related condition. Last evaluated: 2022-08-01. Review status: no assertion criteria provided. Collection method: clinical testing. Allele origin: germline.
Comment: This variant is classified as likely benign based on ACMG/AMP sequence variant interpretation guidelines (Richards et al. 2015 PMID: 25741868, with internal and published modifications).